The following is an entry in ClinVar:

NM_198576.4(AGRN):c.2271G>A (p.Pro757=)

Gene: AGRN (agrin; plus strand). Cytogenetic location: 1p36.33.
Variant type: single nucleotide variant.
Coding change: c.2271G>A on transcript NM_198576.4 (MANE Select); coding-DNA position 2271, G replaced by A.
Protein change: p.Pro757=; no amino-acid change (proline 757 retained).
Molecular consequence: synonymous variant.
Genome position (GRCh38, 1-based): chr1:1,045,177, G>A. VCF-style: chr1-1045177-G-A. GRCh37 (hg19) VCF-style: chr1-980557-G-A.
Other names: c.2271G>A, p.Pro757= (NM_001305275.2); c.1956G>A, p.Pro652= (NM_001364727.2).
Identifiers: ClinVar variation 263170 (VCV000263170.21), dbSNP rs150123719, ClinGen allele CA508568.
Genomic context (GRCh38, chr1:1,045,177, plus strand): 5'-GTCCAGCACTGCATGAAATCTGAGTCCCGTACCCTTTCCTGCAGGCCCCACCTTCGCCCC[G>A]CTGCCGCCTGTGGCCCCCTTACACTGTGCCCAGACGCCCTACGGCTGCTGCCAGGACAAT-3'
Protein context (NP_940978.2, residues 747-767): QGACRGPTFA[Pro757=]LPPVAPLHCA

ClinVar aggregate classification (germline): Likely benign. Review status: criteria provided, multiple submitters, no conflicts (2 of 4 stars). 3 submissions from 3 submitters: Likely benign (3). Last evaluated 2026-01-06.

Conditions:
Congenital myasthenic syndrome 8. Also called: MYASTHENIC SYNDROME, CONGENITAL, DUE TO AGRIN DEFICIENCY; Myasthenic syndrome, congenital, 8, with pre- and postsynaptic defects. Identifiers: Orphanet 590, MedGen C3808739, MONDO:0014052, OMIM 615120.

Allele frequency attached by ClinVar (database versions not stated): TOPMed 0.00016; ExAC 0.00017; gnomAD 0.00019 and 0.00020; ESP Exome Variant Server 0.00046.
gnomAD v4.1: 434 of 1,612,380 alleles (0.027%); highest among the groups gnomAD compares: Non-Finnish European, 0.035%; no homozygotes.

Submissions (3):

Labcorp Genetics (formerly Invitae), Labcorp
Classification: Likely benign for Congenital myasthenic syndrome 8. Last evaluated: 2026-01-06. Review status: criteria provided, single submitter. Criteria: Invitae Variant Classification Sherloc (09022015). Collection method: clinical testing. Allele origin: germline.

CeGaT Center for Human Genetics Tuebingen
Classification: Likely benign. Last evaluated: 2025-09-01. Review status: criteria provided, single submitter. Criteria: CeGaT Center For Human Genetics Tuebingen Variant Classification Criteria Version 2. Collection method: clinical testing. Allele origin: germline. Affected: yes. Observed: 1 variant allele.
Comment: AGRN: BP4, BP7

PreventionGenetics, part of Exact Sciences
Classification: Likely benign. Review status: criteria provided, single submitter. Criteria: ACMG Guidelines, 2015. Collection method: clinical testing. Allele origin: germline.